The following is an entry in ClinVar:

NM_001197104.2(KMT2A):c.8280A>C (p.Arg2760Ser)

Gene: KMT2A (lysine methyltransferase 2A; plus strand). Cytogenetic location: 11q23.3.
Variant type: single nucleotide variant.
Coding change: c.8280A>C on transcript NM_001197104.2 (MANE Select); coding-DNA position 8280, A replaced by C.
Protein change: p.Arg2760Ser; replaces arginine 2760 with serine.
Molecular consequence: missense variant.
Genome position (GRCh38, 1-based): chr11:118,504,172, A>C. VCF-style: chr11-118504172-A-C. GRCh37 (hg19) VCF-style: chr11-118374887-A-C.
Other names: c.8370A>C, p.Arg2790Ser (NM_001412597.1); c.8271A>C, p.Arg2757Ser (NM_005933.4); short protein forms R2760S, R2757S, R2790S.
Identifiers: ClinVar variation 3676767 (VCV003676767.3).
Genomic context (GRCh38, chr11:118,504,172, plus strand): 5'-CAGCCAGATTCCAAAAAGAAATGGTAAAGAAAATGGAACAGAGAACTTAAAGATTGATAG[A>C]CCTGAAGATGCTGGGGAGAAAGAACATGTCACTAAGAGTTCTGTTGGCCACAAAAATGAG-3'
Protein context (NP_001184033.1, residues 2750-2770): ENGTENLKID[Arg2760Ser]PEDAGEKEHV

ClinVar aggregate classification (germline): Uncertain significance. Review status: criteria provided, multiple submitters, no conflicts (2 of 4 stars). 2 submissions from 2 submitters: Uncertain significance (2). Last evaluated 2025-02-03.

Submissions (2):

Labcorp Genetics (formerly Invitae), Labcorp
Classification: Uncertain significance. Last evaluated: 2025-02-03. Review status: criteria provided, single submitter. Criteria: Invitae Variant Classification Sherloc (09022015). Collection method: clinical testing. Allele origin: germline.
Comment: This sequence change replaces arginine, which is basic and polar, with serine, which is neutral and polar, at codon 2760 of the KMT2A protein (p.Arg2760Ser). This variant is not present in population databases (gnomAD no frequency). This variant has not been reported in the literature in individuals affected with KMT2A-related conditions. Invitae Evidence Modeling of protein sequence and biophysical properties (such as structural, functional, and spatial information, amino acid conservation, physicochemical variation, residue mobility, and thermodynamic stability) indicates that this missense variant is not expected to disrupt KMT2A protein function with a negative predictive value of 95%. In summary, the available evidence is currently insufficient to determine the role of this variant in disease. Therefore, it has been classified as a Variant of Uncertain Significance.

Blueprint Genetics
Classification: Uncertain significance. Last evaluated: 2023-09-26. Review status: criteria provided, single submitter. Criteria: ACMG Guidelines, 2015. Collection method: clinical testing. Allele origin: germline.